The following is an entry in ClinVar:

ClinVar aggregate classification (germline): Likely pathogenic (1 of 4 stars; one submission).

Conditions:
Junctional epidermolysis bullosa. Identifiers: Orphanet 305, MedGen C0079301, MONDO:0017612.

Submission:

Myriad Genetics, Inc.
Classification: Likely pathogenic for Junctional epidermolysis bullosa. Last evaluated: 2022-01-20. Review status: criteria provided, single submitter. Criteria: Myriad Autosomal Dominant, Autosomal Recessive and X-Linked Classification Criteria (2023). Collection method: clinical testing. Allele origin: unknown.
Comment: NM_000228.2(LAMB3):c.76delT(C26Afs*24) is expected to be pathogenic in the context of junctional epidermolysis bullosa, LAMB3-related. This variant is predicted to lead to an abnormal or absent protein product due to the creation of a premature termination codon in LAMB3, a gene where loss-of-function variants are known to be pathogenic. Please note: this variant was assessed in the context of healthy population screening.

NM_000228.3(LAMB3):c.76del (p.Cys26fs)

Gene: LAMB3 (laminin subunit beta 3; minus strand). Cytogenetic location: 1q32.2.
Variant type: Deletion.
Coding change: c.76del on transcript NM_000228.3 (MANE Select); coding-DNA position 76, one base deleted (T; older notation c.76delT).
Protein change: p.Cys26fs; shifts the reading frame from cysteine 26.
Molecular consequence: frameshift variant.
Genome position (GRCh38, 1-based): chr1:209,650,071, A deleted on the plus strand (T on the coding strand, the reverse complement: LAMB3 is on the minus strand). VCF-style (leftmost placement, unchanged base first): chr1-209650070-CA-C. GRCh37 (hg19) VCF-style: chr1-209823415-CA-C.
Other names: c.76del, p.Cys26fs (NM_001017402.2, NM_001127641.1); short protein forms C26fs.
Identifiers: ClinVar variation 1723978 (VCV001723978.3), dbSNP rs2464954336, ClinGen allele CA2561913262.